The following is an entry in ClinVar:

ClinVar aggregate classification (germline): Uncertain significance (1 of 4 stars; one submission).

Submission:

Ambry Genetics
Classification: Uncertain significance. Last evaluated: 2022-05-07. Review status: criteria provided, single submitter. Criteria: Ambry Variant Classification Scheme 2023. Collection method: clinical testing. Allele origin: germline.
Comment: The p.I495L variant (also known as c.1483A>C), located in coding exon 10 of the POLQ gene, results from an A to C substitution at nucleotide position 1483. The isoleucine at codon 495 is replaced by leucine, an amino acid with highly similar properties. This amino acid position is conserved. In addition, this alteration is predicted to be tolerated by in silico analysis. Since supporting evidence is limited at this time, the clinical significance of this alteration remains unclear.

NM_199420.4(POLQ):c.1483A>C (p.Ile495Leu)

Gene: POLQ (DNA polymerase theta; minus strand). Cytogenetic location: 3q13.33.
Variant type: single nucleotide variant.
Coding change: c.1483A>C on transcript NM_199420.4 (MANE Select); coding-DNA position 1483, A replaced by C.
Protein change: p.Ile495Leu; replaces isoleucine 495 with leucine.
Molecular consequence: missense variant.
Genome position (GRCh38, 1-based): chr3:121,512,015, T>G on the plus strand (A>C on the coding strand, the complement: POLQ is on the minus strand). VCF-style: chr3-121512015-T-G. GRCh37 (hg19) VCF-style: chr3-121230862-T-G.
Other names: short protein forms I495L.
Identifiers: ClinVar variation 1773614 (VCV001773614.2), dbSNP rs748558539, ClinGen allele CA354116383.